The following is an entry in ClinVar:

ClinVar aggregate classification (germline): Pathogenic (1 of 4 stars; one submission).

Submission:

Labcorp Genetics (formerly Invitae), Labcorp
Classification: Pathogenic. Last evaluated: 2025-08-20. Review status: criteria provided, single submitter. Criteria: Invitae Variant Classification Sherloc (09022015). Collection method: clinical testing. Allele origin: germline.
Comment: This sequence change creates a premature translational stop signal (p.Arg181Serfs*31) in the TBXAS1 gene. It is expected to result in an absent or disrupted protein product. Loss-of-function variants in TBXAS1 are known to be pathogenic (PMID: 22735388). This variant is present in population databases (rs767660162, gnomAD 0.04%). This variant has not been reported in the literature in individuals affected with TBXAS1-related conditions. ClinVar contains an entry for this variant (Variation ID: 2415982). Algorithms developed to predict the effect of sequence changes on RNA splicing suggest that this variant may disrupt the consensus splice site. For these reasons, this variant has been classified as Pathogenic.

Literature cited by the submitters: PubMed 22735388.

NC_000007.14:g.139955459del

Gene: TBXAS1 (thromboxane A synthase 1; plus strand). Cytogenetic location: 7q34.
Variant type: Deletion.
Genome position: GRCh38 VCF-style: chr7-139955457-AG-A. GRCh37 (hg19) VCF-style: chr7-139655256-AG-A.
Identifiers: ClinVar variation 2415982 (VCV002415982.6), dbSNP rs767660162, ClinGen allele CA4511711.